The following is an entry in ClinVar:

ClinVar aggregate classification (germline): Uncertain significance. Review status: criteria provided, multiple submitters, no conflicts (2 of 4 stars). 3 submissions from 3 submitters: Uncertain significance (3). Last evaluated 2025-03-14.

Conditions:
Cardiovascular phenotype. Identifiers: MedGen CN230736.
Arrhythmogenic right ventricular cardiomyopathy (ARVD). Also called: Arrhythmogenic cardiomyopathy; Cardiomyopathy, ARVC; Arrhythmogenic right ventricular dysplasia; Arrhythmogenic Right Ventricular Cardiomyopathy (ARVC). Identifiers: Orphanet 247, MedGen C0349788, MeSH D019571, MONDO:0016587. Disease mechanism: loss of function. Inheritance: Various modes of inheritance.
Cardiomyopathy (CMYO). Also called: Cardiomyopathies. Identifiers: Orphanet 167848, MedGen C0878544, MONDO:0004994, HP:0001638. Inheritance: Various modes of inheritance.

Allele frequency attached by ClinVar (database versions not stated): TOPMed below 0.00001; gnomAD 0.00001; ExAC 0.00002; gnomAD exomes 0.00002.
gnomAD v4.1: 5 of 1,612,414 alleles (0.00031%); highest among the groups gnomAD compares: East Asian, 0.0089%; no homozygotes.

Submissions (3):

Ambry Genetics
Classification: Uncertain significance for Cardiovascular phenotype. Last evaluated: 2025-03-14. Review status: criteria provided, single submitter. Criteria: Ambry Variant Classification Scheme 2023. Collection method: clinical testing. Allele origin: germline.
Comment: The p.V190L variant (also known as c.568G>C), located in coding exon 3 of the PKP2 gene, results from a G to C substitution at nucleotide position 568. The valine at codon 190 is replaced by leucine, an amino acid with highly similar properties. This amino acid position is conserved. In addition, this alteration is predicted to be tolerated by in silico analysis. Based on the available evidence, the clinical significance of this variant remains unclear.

Color Diagnostics, LLC DBA Color Health
Classification: Uncertain significance for Cardiomyopathy. Last evaluated: 2024-03-06. Review status: criteria provided, single submitter. Criteria: ACMG Guidelines, 2015. Collection method: clinical testing. Allele origin: germline.
Comment: This missense variant replaces valine with leucine at codon 190 of the PKP2 protein. Computational prediction suggests that this variant may not impact protein structure and function (internally defined REVEL score threshold <= 0.5, PMID: 27666373). To our knowledge, functional studies have not been reported for this variant. This variant has not been reported in individuals affected with PKP2-related disorders in the literature. This variant has been identified in 4/250622 chromosomes in the general population by the Genome Aggregation Database (gnomAD). The available evidence is insufficient to determine the role of this variant in disease conclusively. Therefore, this variant is classified as a Variant of Uncertain Significance.

All of Us Research Program, National Institutes of Health
Classification: Uncertain significance for Arrhythmogenic right ventricular cardiomyopathy. Last evaluated: 2023-02-24. Review status: criteria provided, single submitter. Criteria: ACMG Guidelines, 2015. Collection method: clinical testing. Allele origin: germline. Inheritance: Autosomal dominant inheritance. Observed: 1 variant allele, 1 heterozygote.
Comment: This missense variant replaces valine with leucine at codon 190 of the PKP2 protein. Computational prediction suggests that this variant may not impact protein structure and function (internally defined REVEL score threshold <= 0.5, PMID: 27666373). To our knowledge, functional studies have not been reported for this variant. This variant has not been reported in individuals affected with PKP2-related disorders in the literature. This variant has been identified in 4/250622 chromosomes in the general population by the Genome Aggregation Database (gnomAD). The available evidence is insufficient to determine the role of this variant in disease conclusively. Therefore, this variant is classified as a Variant of Uncertain Significance.

This study involves interpretation of variants in research participants for the purpose of population health screening. Participant phenotype was not available at the time of variant classification. Additional details can be found in publication PMID: 35346344, PMCID: PMC8962531

NM_001005242.3(PKP2):c.568G>C (p.Val190Leu)

Gene: PKP2 (plakophilin 2; minus strand). Cytogenetic location: 12p11.21.
Variant type: single nucleotide variant.
Coding change: c.568G>C on transcript NM_001005242.3 (MANE Select); coding-DNA position 568, G replaced by C.
Protein change: p.Val190Leu; replaces valine 190 with leucine.
Molecular consequence: missense variant.
Genome position (GRCh38, 1-based): chr12:32,878,312, C>G on the plus strand (G>C on the coding strand, the complement: PKP2 is on the minus strand). VCF-style: chr12-32878312-C-G. GRCh37 (hg19) VCF-style: chr12-33031246-C-G.
Other names: c.568G>C, p.Val190Leu (NM_004572.4); short protein forms V190L.
Identifiers: ClinVar variation 921310 (VCV000921310.6), dbSNP rs772384894, ClinGen allele CA038007.
Genomic context (GRCh38, chr12:32,878,312, plus strand): 5'-TGCTTGTGGTGCCAGCACGGCTGACCCCCACGATCTCGGAACGAGCATATCTCGGTGGCA[C>G]TAGGAGGGCGGCCCGCCTGCTTTCTTGGTGGTGCAGGGTGTGCCCAGCCTGGCTTCTCTG-3'
Protein context (NP_001005242.2, residues 180-200): HQESRRAALL[Val190Leu]PPRYARSEIV